The following is an entry in ClinVar:

ClinVar aggregate classification (germline): Likely benign (0 of 4 stars; one submission).

Conditions:
ERCC6-related disorder. Also called: ERCC6-related condition; ERCC6-related disorders. Identifiers: MedGen CN239385.

Allele frequency attached by ClinVar (database versions not stated): gnomAD 0.00001; gnomAD exomes 0.00001; TOPMed 0.00003; ESP Exome Variant Server 0.00015.
gnomAD v4.1: 10 of 1,613,962 alleles (0.00062%); highest among the groups gnomAD compares: Admixed American, 0.0033%; no homozygotes.

Submission:

PreventionGenetics, part of Exact Sciences
Classification: Likely benign for ERCC6-related condition. Last evaluated: 2019-07-23. Review status: no assertion criteria provided. Collection method: clinical testing. Allele origin: germline.
Comment: This variant is classified as likely benign based on ACMG/AMP sequence variant interpretation guidelines (Richards et al. 2015 PMID: 25741868, with internal and published modifications).

NM_001277058.2(ERCC6):c.2247G>T (p.Gly749=)

Genes: ERCC6 (ERCC excision repair 6, chromatin remodeling factor; minus strand), PGBD3 (piggyBac transposable element derived 3; minus strand). Cytogenetic location: 10q11.23.
Variant type: single nucleotide variant.
Coding change: c.2247G>T on transcript NM_001277058.2 (MANE Plus Clinical); coding-DNA position 2247, G replaced by T.
Protein change: p.Gly749=; no amino-acid change (glycine 749 retained).
Molecular consequence: synonymous variant. On other transcripts: intron variant (2).
Genome position (GRCh38, 1-based): chr10:49,516,272, C>A on the plus strand (G>T on the coding strand, the complement: ERCC6 is on the minus strand). VCF-style: chr10-49516272-C-A. GRCh37 (hg19) VCF-style: chr10-50724318-C-A.
Other names: c.2247G>T, p.Gly749= (NM_001277059.2); c.843G>T, p.Gly281= (NM_170753.3); c.1397+7761G>T (NM_001346440.2, NM_000124.4).
Identifiers: ClinVar variation 3049394 (VCV003049394.2), dbSNP rs148032008, ClinGen allele CA206617133.
Genomic context (GRCh38, chr10:49,516,272, plus strand): 5'-GGCACCACACCAAAACTTATAGCCAAACCGAATGGGCTTTCCCCGAATAAATTGTTTGCA[C>A]CCGTGACGACCAAAATAAGGAACCATGAATTCATCAAAGCTGAAATATGTTTCATTTGGA-3'
Protein context (NP_001263987.1, residues 739-759): EFMVPYFGRH[Gly749=]CKQFIRGKPI